The following is an entry in ClinVar:

NM_004174.4(SLC9A3):c.2072A>T (p.Asn691Ile)

Genes: SLC9A3 (solute carrier family 9 member A3), SLC9A3-AS1 (SLC9A3 antisense RNA 1; plus strand). Cytogenetic location: 5p15.33.
Variant type: single nucleotide variant.
Coding change: c.2072A>T on transcript NM_004174.4 (MANE Select); coding-DNA position 2072, A replaced by T.
Protein change: p.Asn691Ile; replaces asparagine 691 with isoleucine.
Molecular consequence: missense variant.
Genome position (GRCh38, 1-based): chr5:476,088, T>A on the plus strand (A>T on the coding strand, the complement: SLC9A3 is on the minus strand). VCF-style: chr5-476088-T-A. GRCh37 (hg19) VCF-style: chr5-476203-T-A.
Other names: c.2072A>T (NM_004174.2); c.2045A>T, p.Asn682Ile (NM_001284351.3); short protein forms N691I, N682I.
Identifiers: ClinVar variation 1965016 (VCV001965016.7), dbSNP rs770287557, ClinGen allele CA3175569.

ClinVar aggregate classification (germline): Uncertain significance. Review status: criteria provided, multiple submitters, no conflicts (2 of 4 stars). 2 submissions from 2 submitters: Uncertain significance (2). Last evaluated 2023-05-31.

Conditions:
Inborn genetic diseases. Identifiers: MedGen C0950123, MeSH D030342.

Allele frequency attached by ClinVar (database versions not stated): TOPMed below 0.00001; gnomAD 0.00001; gnomAD exomes 0.00002; ExAC 0.00003.
gnomAD v4.1: 35 of 1,613,300 alleles (0.0022%); highest among the groups gnomAD compares: South Asian, 0.035%; no homozygotes.

Submissions (2):

Ambry Genetics
Classification: Uncertain significance for Inborn genetic diseases. Last evaluated: 2023-05-31. Review status: criteria provided, single submitter. Criteria: Ambry Variant Classification Scheme 2023. Collection method: clinical testing. Allele origin: germline.

Labcorp Genetics (formerly Invitae), Labcorp
Classification: Uncertain significance. Last evaluated: 2022-07-02. Review status: criteria provided, single submitter. Criteria: Invitae Variant Classification Sherloc (09022015). Collection method: clinical testing. Allele origin: germline.
Comment: This sequence change replaces asparagine, which is neutral and polar, with isoleucine, which is neutral and non-polar, at codon 691 of the SLC9A3 protein (p.Asn691Ile). In summary, the available evidence is currently insufficient to determine the role of this variant in disease. Therefore, it has been classified as a Variant of Uncertain Significance. Algorithms developed to predict the effect of missense changes on protein structure and function are either unavailable or do not agree on the potential impact of this missense change (SIFT: "Not Available"; PolyPhen-2: "Benign"; Align-GVGD: "Not Available"). This variant has not been reported in the literature in individuals affected with SLC9A3-related conditions. This variant is present in population databases (rs770287557, gnomAD 0.05%).